The following is an entry in ClinVar:

NM_182914.3(SYNE2):c.892A>C (p.Lys298Gln)

Gene: SYNE2 (spectrin repeat containing nuclear envelope protein 2; plus strand). Cytogenetic location: 14q23.2.
Variant type: single nucleotide variant.
Coding change: c.892A>C on transcript NM_182914.3 (MANE Select); coding-DNA position 892, A replaced by C.
Protein change: p.Lys298Gln; replaces lysine 298 with glutamine.
Molecular consequence: missense variant.
Genome position (GRCh38, 1-based): chr14:63,963,902, A>C. VCF-style: chr14-63963902-A-C. GRCh37 (hg19) VCF-style: chr14-64430620-A-C.
Other names: c.892A>C, p.Lys298Gln (NM_015180.6); short protein forms K298Q.
Identifiers: ClinVar variation 470987 (VCV000470987.12), dbSNP rs866911879, ClinGen allele CA261811151.

ClinVar aggregate classification (germline): Uncertain significance. Review status: criteria provided, multiple submitters, no conflicts (2 of 4 stars). 3 submissions from 3 submitters: Uncertain significance (3). Last evaluated 2024-08-14.

Conditions:
Emery-Dreifuss muscular dystrophy 5, autosomal dominant (EDMD5). Also called: EMERY-DREIFUSS MUSCULAR DYSTROPHY 5. Identifiers: Orphanet 261, MedGen C2751805, MONDO:0013072, OMIM 612999.

Allele frequency attached by ClinVar (database versions not stated): gnomAD exomes 0.00001; gnomAD 0.00002; TOPMed 0.00005.
gnomAD v4.1: 9 of 1,610,474 alleles (0.00056%); highest among the groups gnomAD compares: African/African-American, 0.012%; no homozygotes.

Submissions (3):

Labcorp Genetics (formerly Invitae), Labcorp
Classification: Uncertain significance for Emery-Dreifuss muscular dystrophy 5, autosomal dominant. Last evaluated: 2024-08-14. Review status: criteria provided, single submitter. Criteria: Invitae Variant Classification Sherloc (09022015). Collection method: clinical testing. Allele origin: germline.
Comment: This sequence change replaces lysine, which is basic and polar, with glutamine, which is neutral and polar, at codon 298 of the SYNE2 protein (p.Lys298Gln). This variant is present in population databases (no rsID available, gnomAD 0.01%). This variant has not been reported in the literature in individuals affected with SYNE2-related conditions. ClinVar contains an entry for this variant (Variation ID: 470987). An algorithm developed to predict the effect of missense changes on protein structure and function (PolyPhen-2) suggests that this variant is likely to be tolerated. In summary, the available evidence is currently insufficient to determine the role of this variant in disease. Therefore, it has been classified as a Variant of Uncertain Significance.

Ambry Genetics
Classification: Uncertain significance. Last evaluated: 2024-07-16. Review status: criteria provided, single submitter. Criteria: Ambry Variant Classification Scheme 2023. Collection method: clinical testing. Allele origin: germline.

Revvity Omics, Revvity
Classification: Uncertain significance for Emery-Dreifuss muscular dystrophy 5, autosomal dominant. Last evaluated: 2019-06-28. Review status: criteria provided, single submitter. Criteria: ACMG Guidelines, 2015. Collection method: clinical testing. Allele origin: germline.